The following is an entry in ClinVar:

NM_006432.5(NPC2):c.281dup (p.Ser95fs)

Gene: NPC2 (NPC intracellular cholesterol transporter 2; minus strand). Cytogenetic location: 14q24.3.
Variant type: Duplication.
Coding change: c.281dup on transcript NM_006432.5 (MANE Select); coding-DNA position 281, one base duplicated (A; older notation c.281dupA).
Protein change: p.Ser95fs; shifts the reading frame from serine 95.
Molecular consequence: frameshift variant.
Genome position (GRCh38, 1-based): chr14:74,484,497, T duplicated on the plus strand (A on the coding strand, the reverse complement: NPC2 is on the minus strand); the first of 2 consecutive T bases (chr14:74,484,497-74,484,498); duplicating either gives the same sequence. VCF-style (leftmost placement, unchanged base first): chr14-74484496-C-CT. GRCh37 (hg19) VCF-style: chr14-74951199-C-CT.
Other names: c.281dup, p.Ser95fs (NM_001363688.1, NM_001375440.1); short protein forms S95fs.
Identifiers: ClinVar variation 1457423 (VCV001457423.6), dbSNP rs2139668010, ClinGen allele CA2573150175.

ClinVar aggregate classification (germline): Pathogenic (1 of 4 stars; one submission).

Conditions:
Niemann-Pick disease, type C2 (NPC2). Identifiers: Orphanet 646, MedGen C1843366, MONDO:0011873, OMIM 607625.

Submission:

Labcorp Genetics (formerly Invitae), Labcorp
Classification: Pathogenic for Niemann-Pick disease, type C2. Last evaluated: 2021-06-23. Review status: criteria provided, single submitter. Criteria: Invitae Variant Classification Sherloc (09022015). Collection method: clinical testing. Allele origin: germline.
Comment: For these reasons, this variant has been classified as Pathogenic. This variant has not been reported in the literature in individuals with NPC2-related conditions. This variant is not present in population databases (ExAC no frequency). This sequence change creates a premature translational stop signal (p.Ser95Glufs*4) in the NPC2 gene. It is expected to result in an absent or disrupted protein product. Loss-of-function variants in NPC2 are known to be pathogenic (PMID: 25145893).

Literature cited by the submitters: PubMed 25145893.